The following is an entry in ClinVar:

NM_000551.4(VHL):c.80A>G (p.Glu27Gly)

Gene: VHL (von Hippel-Lindau tumor suppressor; plus strand). Cytogenetic location: 3p25.3.
Variant type: single nucleotide variant.
Coding change: c.80A>G on transcript NM_000551.4 (MANE Select); coding-DNA position 80, A replaced by G.
Protein change: p.Glu27Gly; replaces glutamic acid 27 with glycine.
Molecular consequence: missense variant.
Genome position (GRCh38, 1-based): chr3:10,141,927, A>G. VCF-style: chr3-10141927-A-G. GRCh37 (hg19) VCF-style: chr3-10183611-A-G.
Other names: c.80A>G, p.Glu27Gly (NM_001354723.2, NM_198156.3); short protein forms E27G.
Identifiers: ClinVar variation 1479016 (VCV001479016.9), dbSNP rs2125124617, ClinGen allele CA351747476.

ClinVar aggregate classification (germline): Uncertain significance. Review status: criteria provided, multiple submitters, no conflicts (2 of 4 stars). 2 submissions from 2 submitters: Uncertain significance (2). Last evaluated 2024-05-29.

Conditions:
Hereditary cancer-predisposing syndrome. Also called: Hereditary neoplastic syndrome; Tumor predisposition; Neoplastic Syndromes, Hereditary; Hereditary Cancer Syndrome. Identifiers: Orphanet 140162, MedGen C0027672, MeSH D009386, MONDO:0015356.
Von Hippel-Lindau syndrome (VHLS). Also called: Von Hippel-Lindau; von Hippel–Lindau syndrome; VHL syndrome. Identifiers: Orphanet 892, MedGen C0019562, MONDO:0008667, OMIM 193300. Disease mechanism: loss of function.
Chuvash polycythemia. Also called: POLYCYTHEMIA, VHL-DEPENDENT. Identifiers: Orphanet 238557, MedGen C1837915, MONDO:0009892, OMIM 263400.

Submissions (2):

Labcorp Genetics (formerly Invitae), Labcorp
Classification: Uncertain significance for Von Hippel-Lindau syndrome; Chuvash polycythemia. Last evaluated: 2024-05-29. Review status: criteria provided, single submitter. Criteria: Invitae Variant Classification Sherloc (09022015). Collection method: clinical testing. Allele origin: germline.
Comment: This sequence change replaces glutamic acid, which is acidic and polar, with glycine, which is neutral and non-polar, at codon 27 of the VHL protein (p.Glu27Gly). This variant is not present in population databases (gnomAD no frequency). This variant has not been reported in the literature in individuals affected with VHL-related conditions. ClinVar contains an entry for this variant (Variation ID: 1479016). Advanced modeling of protein sequence and biophysical properties (such as structural, functional, and spatial information, amino acid conservation, physicochemical variation, residue mobility, and thermodynamic stability) performed at Invitae indicates that this missense variant is not expected to disrupt VHL protein function with a negative predictive value of 95%. In summary, the available evidence is currently insufficient to determine the role of this variant in disease. Therefore, it has been classified as a Variant of Uncertain Significance.

Ambry Genetics
Classification: Uncertain significance for Hereditary cancer-predisposing syndrome. Last evaluated: 2023-06-16. Review status: criteria provided, single submitter. Criteria: Ambry Variant Classification Scheme 2023. Collection method: clinical testing. Allele origin: germline.
Comment: The p.E27G variant (also known as c.80A>G), located in coding exon 1 of the VHL gene, results from an A to G substitution at nucleotide position 80. The glutamic acid at codon 27 is replaced by glycine, an amino acid with similar properties. This amino acid position is well conserved in available vertebrate species. In addition, this alteration is predicted to be tolerated by in silico analysis. Since supporting evidence is limited at this time, the clinical significance of this alteration remains unclear.